The following is an entry in ClinVar:

ClinVar aggregate classification (germline): Uncertain significance. Review status: criteria provided, multiple submitters, no conflicts (2 of 4 stars). 3 submissions from 3 submitters: Uncertain significance (3). Last evaluated 2026-02-26.

Conditions:
Inborn genetic diseases. Identifiers: MedGen C0950123, MeSH D030342.
Progressive sclerosing poliodystrophy (MTDPS4A). Also called: ALPERS DIFFUSE DEGENERATION OF CEREBRAL GRAY MATTER WITH HEPATIC CIRRHOSIS; Alpers-Huttenlocher Syndrome; ALPERS PROGRESSIVE INFANTILE POLIODYSTROPHY; NEURONAL DEGENERATION OF CHILDHOOD WITH LIVER DISEASE, PROGRESSIVE; Mitochondrial DNA Depletion Syndrome 4A; Alpers-Huttenlocher Syndrome (AHS). Identifiers: Orphanet 726, MedGen C0205710, MONDO:0008758, OMIM 203700.

Allele frequency attached by ClinVar (database versions not stated): 1000 Genomes Project 0.00020; 1000 Genomes Project 30x 0.00031; gnomAD 0.00001 and 0.00002; TOPMed 0.00001; ExAC 0.00002; gnomAD exomes 0.00002.
gnomAD v4.1: 22 of 1,612,936 alleles (0.0014%); highest among the groups gnomAD compares: Middle Eastern, 0.037%; 1 homozygote.

Submissions (3):

Ambry Genetics
Classification: Uncertain significance for Inborn genetic diseases. Last evaluated: 2026-02-26. Review status: criteria provided, single submitter. Criteria: Ambry Variant Classification Scheme 2023. Collection method: clinical testing. Allele origin: germline.

Labcorp Genetics (formerly Invitae), Labcorp
Classification: Uncertain significance for Progressive sclerosing poliodystrophy. Last evaluated: 2026-01-25. Review status: criteria provided, single submitter. Criteria: Invitae Variant Classification Sherloc (09022015). Collection method: clinical testing. Allele origin: germline.
Comment: This sequence change replaces arginine, which is basic and polar, with histidine, which is basic and polar, at codon 993 of the POLG protein (p.Arg993His). This variant is present in population databases (rs546883829, gnomAD 0.01%). This variant has not been reported in the literature in individuals affected with POLG-related conditions. ClinVar contains an entry for this variant (Variation ID: 206541). Invitae Evidence Modeling of protein sequence and biophysical properties (such as structural, functional, and spatial information, amino acid conservation, physicochemical variation, residue mobility, and thermodynamic stability) indicates that this missense variant is expected to disrupt POLG protein function with a positive predictive value of 95%. In summary, the available evidence is currently insufficient to determine the role of this variant in disease. Therefore, it has been classified as a Variant of Uncertain Significance.

GeneDx
Classification: Uncertain significance. Last evaluated: 2015-01-09. Review status: criteria provided, single submitter. Criteria: GeneDx Variant Classification (06012015). Collection method: clinical testing. Allele origin: germline. Affected: yes.
Comment: p.Arg993His (CGC>CAC): c.2978 G>A in exon 18 of the POLG gene (NM_002693.2). The R993H missense change has not been published as a mutation, nor has it been reported as a benign polymorphism to our knowledge. It was not observed in approximately 6,500 individuals of European and African American ancestry in the NHLBI Exome Sequencing Project, indicating it is not a common benign variant in these populations. R993H is a conservative amino acid substitution as both Arginine and Histidine are positively charged, polar residues. However, this variant occurs in the polymerase domain of the POLG gene at a position that is highly conserved across species, and multiple in silico algorithms predict that R993H is possibly damaging to the structure/function of the POLG protein. Therefore, based on the currently available information, it is unclear whether R993H is a disease-causing mutation or a rare benign variant. The variant is found in EPILEPSY,MITONUC-MITOP panel(s).

NM_002693.3(POLG):c.2978G>A (p.Arg993His)

Gene: POLG (DNA polymerase gamma, catalytic subunit; minus strand). Cytogenetic location: 15q26.1.
Variant type: single nucleotide variant.
Coding change: c.2978G>A on transcript NM_002693.3 (MANE Select); coding-DNA position 2978, G replaced by A.
Protein change: p.Arg993His; replaces arginine 993 with histidine.
Molecular consequence: missense variant.
Genome position (GRCh38, 1-based): chr15:89,320,769, C>T on the plus strand (G>A on the coding strand, the complement: POLG is on the minus strand). VCF-style: chr15-89320769-C-T. GRCh37 (hg19) VCF-style: chr15-89864000-C-T.
Other names: p.R993H:CGC>CAC; c.2978G>A, p.Arg993His (NM_001126131.2); short protein forms R993H.
Identifiers: ClinVar variation 206541 (VCV000206541.15), dbSNP rs546883829, ClinGen allele CA316727.